The following is an entry in ClinVar:

NM_001267550.2(TTN):c.81271G>A (p.Val27091Met)

Genes: TTN (titin; minus strand), TTN-AS1 (TTN antisense RNA 1; plus strand). Cytogenetic location: 2q31.2.
Variant type: single nucleotide variant.
Coding change: c.81271G>A on transcript NM_001267550.2 (MANE Select); coding-DNA position 81271, G replaced by A.
Protein change: p.Val27091Met; replaces valine 27091 with methionine.
Molecular consequence: missense variant.
Genome position (GRCh38, 1-based): chr2:178,564,861, C>T on the plus strand (G>A on the coding strand, the complement: TTN is on the minus strand). VCF-style: chr2-178564861-C-T. GRCh37 (hg19) VCF-style: chr2-179429588-C-T.
Other names: c.76348G>A, p.Val25450Met (NM_001256850.1); c.54076G>A, p.Val18026Met (NM_003319.4); c.73567G>A, p.Val24523Met (NM_133378.4); c.54451G>A, p.Val18151Met (NM_133432.3); c.54652G>A, p.Val18218Met (NM_133437.4); short protein forms V18026M, V18151M, V18218M, V24523M, V25450M, V27091M.
Identifiers: ClinVar variation 4530735 (VCV004530735.2).

ClinVar aggregate classification (germline): Uncertain significance (1 of 4 stars; one submission).

Submission:

GeneDx
Classification: Uncertain significance. Last evaluated: 2026-07-13. Review status: criteria provided, single submitter. Criteria: GeneDx Variant Classification Process June 2021. Collection method: clinical testing. Allele origin: germline.
Comment: Not observed at significant frequency in large population cohorts (gnomAD); Missense variant in a gene in which most reported pathogenic variants are truncating/loss of function; Has not been previously published as pathogenic or benign to our knowledge